The following is an entry in ClinVar:

ClinVar aggregate classification (germline): Uncertain significance. Review status: criteria provided, multiple submitters, no conflicts (2 of 4 stars). 2 submissions from 2 submitters: Uncertain significance (2). Last evaluated 2025-12-23.

Conditions:
Inborn genetic diseases. Identifiers: MedGen C0950123, MeSH D030342.

Allele frequency attached by ClinVar (database versions not stated): ESP Exome Variant Server 0.00008; TOPMed 0.00008; gnomAD exomes 0.00010 and 0.00018; gnomAD 0.00011; ExAC 0.00016; 1000 Genomes Project 0.00040; 1000 Genomes Project 30x 0.00047.
gnomAD v4.1: 162 of 1,613,854 alleles (0.01%); highest among the groups gnomAD compares: Middle Eastern, 0.099%; no homozygotes.

Submissions (2):

Labcorp Genetics (formerly Invitae), Labcorp
Classification: Uncertain significance. Last evaluated: 2025-12-23. Review status: criteria provided, single submitter. Criteria: Invitae Variant Classification Sherloc (09022015). Collection method: clinical testing. Allele origin: germline.
Comment: This sequence change replaces glutamine, which is neutral and polar, with glutamic acid, which is acidic and polar, at codon 2772 of the SPEG protein (p.Gln2772Glu). This variant is present in population databases (rs147228436, gnomAD 0.08%). This variant has not been reported in the literature in individuals affected with SPEG-related conditions. ClinVar contains an entry for this variant (Variation ID: 1408994). An algorithm developed to predict the effect of missense changes on protein structure and function (PolyPhen-2) suggests that this variant is likely to be tolerated. In summary, the available evidence is currently insufficient to determine the role of this variant in disease. Therefore, it has been classified as a Variant of Uncertain Significance.

Ambry Genetics
Classification: Uncertain significance for Inborn genetic diseases. Last evaluated: 2025-08-28. Review status: criteria provided, single submitter. Criteria: Ambry Variant Classification Scheme 2023. Collection method: clinical testing. Allele origin: germline.

NM_005876.5(SPEG):c.8314C>G (p.Gln2772Glu)

Genes: ASIC4-AS1 (ASIC4 antisense RNA 1; minus strand), SPEG (striated muscle enriched protein kinase; plus strand). Cytogenetic location: 2q35.
Variant type: single nucleotide variant.
Coding change: c.8314C>G on transcript NM_005876.5 (MANE Select); coding-DNA position 8314, C replaced by G.
Protein change: p.Gln2772Glu; replaces glutamine 2772 with glutamic acid.
Molecular consequence: missense variant.
Genome position (GRCh38, 1-based): chr2:219,489,218, C>G. VCF-style: chr2-219489218-C-G. GRCh37 (hg19) VCF-style: chr2-220353940-C-G.
Other names: c.8314C>G (NM_005876.4); short protein forms Q2772E.
Identifiers: ClinVar variation 1408994 (VCV001408994.8), dbSNP rs147228436, ClinGen allele CA2127443.
Genomic context (GRCh38, chr2:219,489,218, plus strand): 5'-AACCGTGCTGGGCAGGGGCCCTTCAGCAACTCTTCTGAGAAGGTCTTTGTCAGGGGTACT[C>G]AAGGTCAGTGCAATGGTATGGGGTGGGAGGAGGAAGGGGGCTCTGAGCCTAGGGTTCTTG-3'
Protein context (NP_005867.3, residues 2762-2782): SSEKVFVRGT[Gln2772Glu]DSSAVPSAAH